The following is an entry in ClinVar:

ClinVar aggregate classification (germline): Pathogenic (1 of 4 stars; one submission).

Conditions:
Kleefstra syndrome 1 (KLEFS1). Identifiers: Orphanet 261494, MedGen C0795833, MONDO:0027407, OMIM 610253.

Submission:

Labcorp Genetics (formerly Invitae), Labcorp
Classification: Pathogenic for Kleefstra syndrome 1. Last evaluated: 2023-06-20. Review status: criteria provided, single submitter. Criteria: Invitae Variant Classification Sherloc (09022015). Collection method: clinical testing. Allele origin: germline.
Comment: This variant is not present in population databases (gnomAD no frequency). This sequence change creates a premature translational stop signal (p.Val115Alafs*14) in the EHMT1 gene. It is expected to result in an absent or disrupted protein product. Loss-of-function variants in EHMT1 are known to be pathogenic (PMID: 16826528, 19264732). This variant has not been reported in the literature in individuals affected with EHMT1-related conditions. For these reasons, this variant has been classified as Pathogenic.

Literature cited by the submitters: PubMed 16826528; PubMed 19264732.

NM_024757.5(EHMT1):c.344_345del (p.Val115fs)

Gene: EHMT1 (euchromatic histone lysine methyltransferase 1; plus strand). Cytogenetic location: 9q34.3.
Variant type: Microsatellite.
Coding change: c.344_345del on transcript NM_024757.5 (MANE Select); coding-DNA positions 344 to 345, 2 bases deleted (TG; older notation c.344_345delTG).
Protein change: p.Val115fs; shifts the reading frame from valine 115.
Molecular consequence: frameshift variant.
Genome position (GRCh38, 1-based): chr9:137,716,884-137,716,885, TG deleted; deleting any 2 consecutive bases within chr9:137,716,882-137,716,885 gives the same sequence; the c. name uses the placement nearest the transcript's 3' end. VCF-style (leftmost placement, unchanged base first): chr9-137716881-TTG-T. GRCh37 (hg19) VCF-style: chr9-140611333-TTG-T.
Other names: c.251_252del, p.Val84fs (NM_001354259.2, NM_001354612.2); c.344_345del, p.Val115fs (NM_001354263.2, NM_001354611.2, NM_001145527.2); short protein forms V115fs, V84fs.
Identifiers: ClinVar variation 2720160 (VCV002720160.3), dbSNP rs2541033292, ClinGen allele CA2697558232.
Genomic context (GRCh38, chr9:137,716,881, plus strand): 5'-ATGGGGTTTCAGAAAGAGACTCAGAAGCGGCGAAGCAAAACCACGTCACTGCCGACGACT[TTG>T]TGCAGACTTCTGTCATCGGCAGCAACGGATACATCTTAAATAAGCCGGCCCTACAGGCAC-3'